The following is an entry in ClinVar:

NM_000083.3(CLCN1):c.854-3C>A

Gene: CLCN1 (chloride voltage-gated channel 1; plus strand). Cytogenetic location: 7q34.
Variant type: single nucleotide variant.
Coding change: c.854-3C>A on transcript NM_000083.3 (MANE Select); 3 bases into the intron before coding-DNA position 854, C replaced by A.
Molecular consequence: intron variant.
Genome position (GRCh38, 1-based): chr7:143,330,769, C>A. VCF-style: chr7-143330769-C-A. GRCh37 (hg19) VCF-style: chr7-143027862-C-A.
Identifiers: ClinVar variation 2124822 (VCV002124822.4), dbSNP rs202177584, ClinGen allele CA2580077627.

ClinVar aggregate classification (germline): Uncertain significance (1 of 4 stars; one submission).

Conditions:
Congenital myotonia, autosomal recessive form. Also called: BECKER DISEASE; Becker Generalized Myotonia; myotonia congenita, autosomal recessive. Identifiers: Orphanet 614, MedGen C0751360, MONDO:0009715, OMIM 255700.
Congenital myotonia, autosomal dominant form (THD). Also called: THOMSEN DISEASE; Myotonia congenita autosomal dominant. Identifiers: Orphanet 614, MedGen C2936781, MONDO:0008055, OMIM 160800.

Submission:

Labcorp Genetics (formerly Invitae), Labcorp
Classification: Uncertain significance for Congenital myotonia, autosomal recessive form; Congenital myotonia, autosomal dominant form. Last evaluated: 2022-04-11. Review status: criteria provided, single submitter. Criteria: Invitae Variant Classification Sherloc (09022015). Collection method: clinical testing. Allele origin: germline.
Comment: In summary, the available evidence is currently insufficient to determine the role of this variant in disease. Therefore, it has been classified as a Variant of Uncertain Significance. Variants that disrupt the consensus splice site are a relatively common cause of aberrant splicing (PMID: 17576681, 9536098). Algorithms developed to predict the effect of sequence changes on RNA splicing suggest that this variant may disrupt the consensus splice site. This variant has not been reported in the literature in individuals affected with CLCN1-related conditions. This variant is not present in population databases (gnomAD no frequency). This sequence change falls in intron 7 of the CLCN1 gene. It does not directly change the encoded amino acid sequence of the CLCN1 protein. It affects a nucleotide within the consensus splice site.

Literature cited by the submitters: PubMed 17576681; PubMed 9536098.